The following is an entry in ClinVar:

NM_019066.5(MAGEL2):c.3535G>A (p.Glu1179Lys)

Gene: MAGEL2 (MAGE family member L2; minus strand). Cytogenetic location: 15q11.2.
Variant type: single nucleotide variant.
Coding change: c.3535G>A on transcript NM_019066.5 (MANE Select); coding-DNA position 3535, G replaced by A.
Protein change: p.Glu1179Lys; replaces glutamic acid 1179 with lysine.
Molecular consequence: missense variant.
Genome position (GRCh38, 1-based): chr15:23,644,208, C>T on the plus strand (G>A on the coding strand, the complement: MAGEL2 is on the minus strand). VCF-style: chr15-23644208-C-T. GRCh37 (hg19) VCF-style: chr15-23889355-C-T.
Other names: short protein forms E1179K.
Identifiers: ClinVar variation 4986943 (VCV004986943.1).

ClinVar aggregate classification (germline): Uncertain significance (1 of 4 stars; one submission).

Conditions:
MAGEL2-related disorder. Also called: MAGEL2-related condition.

Submission:

PreventionGenetics, part of Exact Sciences
Classification: Uncertain significance for MAGEL2-related condition. Last evaluated: 2025-03-24. Review status: criteria provided, single submitter. Criteria: ACMG Guidelines, 2015. Collection method: clinical testing. Allele origin: germline.
Comment: The MAGEL2 c.3535G>A variant is predicted to result in the amino acid substitution p.Glu1179Lys. To our knowledge, this variant has not been reported in the literature or in a large population database (gnomAD), indicating this variant is rare. At this time, the clinical significance of this variant is uncertain due to the absence of conclusive functional and genetic evidence.